The following is an entry in ClinVar:

NM_198576.4(AGRN):c.6020A>G (p.Lys2007Arg)

Gene: AGRN (agrin; plus strand). Cytogenetic location: 1p36.33.
Variant type: single nucleotide variant.
Coding change: c.6020A>G on transcript NM_198576.4 (MANE Select); coding-DNA position 6020, A replaced by G.
Protein change: p.Lys2007Arg; replaces lysine 2007 with arginine.
Molecular consequence: missense variant.
Genome position (GRCh38, 1-based): chr1:1,054,863, A>G. VCF-style: chr1-1054863-A-G. GRCh37 (hg19) VCF-style: chr1-990243-A-G.
Other names: c.6089A>G, p.Lys2030Arg (NM_001305275.2); c.5717A>G, p.Lys1906Arg (NM_001364727.2); short protein forms K1906R, K2007R, K2030R.
Identifiers: ClinVar variation 841948 (VCV000841948.8), dbSNP rs1645410114, ClinGen allele CA337786595.

ClinVar aggregate classification (germline): Uncertain significance (1 of 4 stars; one submission).

Conditions:
Congenital myasthenic syndrome 8. Also called: Myasthenic syndrome, congenital, 8, with pre- and postsynaptic defects; MYASTHENIC SYNDROME, CONGENITAL, DUE TO AGRIN DEFICIENCY. Identifiers: Orphanet 590, MedGen C3808739, MONDO:0014052, OMIM 615120.

Allele frequency attached by ClinVar (database versions not stated): gnomAD exomes below 0.00001.
gnomAD v4.1: 1 of 1,558,170 alleles (0.000064%); highest among the groups gnomAD compares: Non-Finnish European, 0.000087%; no homozygotes.

Submission:

Labcorp Genetics (formerly Invitae), Labcorp
Classification: Uncertain significance for Congenital myasthenic syndrome 8. Last evaluated: 2022-08-22. Review status: criteria provided, single submitter. Criteria: Invitae Variant Classification Sherloc (09022015). Collection method: clinical testing. Allele origin: germline.
Comment: This sequence change replaces lysine, which is basic and polar, with arginine, which is basic and polar, at codon 2007 of the AGRN protein (p.Lys2007Arg). This variant is not present in population databases (gnomAD no frequency). This variant has not been reported in the literature in individuals affected with AGRN-related conditions. ClinVar contains an entry for this variant (Variation ID: 841948). In summary, the available evidence is currently insufficient to determine the role of this variant in disease. Therefore, it has been classified as a Variant of Uncertain Significance. Algorithms developed to predict the effect of missense changes on protein structure and function are either unavailable or do not agree on the potential impact of this missense change (SIFT: "Deleterious"; PolyPhen-2: "Probably Damaging"; Align-GVGD: "Class C0").